The following is an entry in ClinVar:

NM_001105206.3(LAMA4):c.3969-312T>A

Gene: LAMA4 (laminin subunit alpha 4; minus strand). Cytogenetic location: 6q21.
Variant type: single nucleotide variant.
Coding change: c.3969-312T>A on transcript NM_001105206.3 (MANE Select); 312 bases into the intron before coding-DNA position 3969, T replaced by A.
Molecular consequence: intron variant.
Genome position (GRCh38, 1-based): chr6:112,130,352, A>T on the plus strand (T>A on the coding strand, the complement: LAMA4 is on the minus strand). VCF-style: chr6-112130352-A-T. GRCh37 (hg19) VCF-style: chr6-112451554-A-T.
Other names: c.3948-312T>A (NM_002290.5, NM_001105207.3).
Identifiers: ClinVar variation 683593 (VCV000683593.1), dbSNP rs116113421, ClinGen allele CA144886846.

ClinVar aggregate classification (germline): Likely benign (1 of 4 stars; one submission).

Allele frequency attached by ClinVar (database versions not stated): gnomAD 0.01060 and 0.01144; TOPMed 0.01219; 1000 Genomes Project 0.01258; 1000 Genomes Project 30x 0.01312.
gnomAD v4.1: 1,568 of 149,178 alleles (1.1%); highest among the groups gnomAD compares: African/African-American, 3.5%; 24 homozygotes.

Submission:

GeneDx
Classification: Likely benign. Last evaluated: 2018-06-19. Review status: criteria provided, single submitter. Criteria: GeneDx Variant Classification (06012015). Collection method: clinical testing. Allele origin: germline. Affected: yes.
Comment: This variant is considered likely benign or benign based on one or more of the following criteria: it is a conservative change, it occurs at a poorly conserved position in the protein, it is predicted to be benign by multiple in silico algorithms, and/or has population frequency not consistent with disease.